The following is an entry in ClinVar:

NM_001386140.1(MTTP):c.2470T>C (p.Phe824Leu)

Gene: MTTP (microsomal triglyceride transfer protein; plus strand). Cytogenetic location: 4q23.
Variant type: single nucleotide variant.
Coding change: c.2470T>C on transcript NM_001386140.1 (MANE Select); coding-DNA position 2470, T replaced by C.
Protein change: p.Phe824Leu; replaces phenylalanine 824 with leucine.
Molecular consequence: missense variant.
Genome position (GRCh38, 1-based): chr4:99,621,188, T>C. VCF-style: chr4-99621188-T-C. GRCh37 (hg19) VCF-style: chr4-100542345-T-C.
Other names: c.2470T>C, p.Phe824Leu (NM_000253.4); c.2221T>C, p.Phe741Leu (NM_001300785.2); short protein forms F824L, F741L.
Identifiers: ClinVar variation 1348288 (VCV001348288.5), dbSNP rs1726221373, ClinGen allele CA357519843.
Genomic context (GRCh38, chr4:99,621,188, plus strand): 5'-AGTACAGAAACAGAAGCAGGCTTGGAGTTTATCTCCACAGTGCAGTTTTCTCAGTACCCA[T>C]TCTTAGTTTGCATGCAGATGGACAAGGATGAAGCTCCATTCAGGTAAGATGCAGCGTTCA-3'
Protein context (NP_001373069.1, residues 814-834): ISTVQFSQYP[Phe824Leu]LVCMQMDKDE

ClinVar aggregate classification (germline): Uncertain significance (1 of 4 stars; one submission).

Allele frequency attached by ClinVar (database versions not stated): gnomAD exomes below 0.00001; TOPMed below 0.00001.

Submission:

Labcorp Genetics (formerly Invitae), Labcorp
Classification: Uncertain significance. Last evaluated: 2022-06-20. Review status: criteria provided, single submitter. Criteria: Invitae Variant Classification Sherloc (09022015). Collection method: clinical testing. Allele origin: germline.
Comment: This sequence change replaces phenylalanine, which is neutral and non-polar, with leucine, which is neutral and non-polar, at codon 824 of the MTTP protein (p.Phe824Leu). This variant is not present in population databases (gnomAD no frequency). This variant has not been reported in the literature in individuals affected with MTTP-related conditions. Algorithms developed to predict the effect of missense changes on protein structure and function (SIFT, PolyPhen-2, Align-GVGD) all suggest that this variant is likely to be tolerated. In summary, the available evidence is currently insufficient to determine the role of this variant in disease. Therefore, it has been classified as a Variant of Uncertain Significance.